The following is an entry in ClinVar:

ClinVar aggregate classification (germline): Likely benign. Review status: criteria provided, multiple submitters, no conflicts (2 of 4 stars). 2 submissions from 2 submitters: Likely benign (2). Last evaluated 2018-06-16.

Allele frequency attached by ClinVar (database versions not stated): gnomAD exomes 0.00091; gnomAD 0.00829 and 0.00875; TOPMed 0.00932; 1000 Genomes Project 0.00938; 1000 Genomes Project 30x 0.01109.
gnomAD v4.1: 1,622 of 537,118 alleles (0.3%); highest among the groups gnomAD compares: African/African-American, 2.8%; 22 homozygotes.

Submissions (2):

GeneDx
Classification: Likely benign. Last evaluated: 2018-06-16. Review status: criteria provided, single submitter. Criteria: GeneDx Variant Classification (06012015). Collection method: clinical testing. Allele origin: germline. Affected: yes.
Comment: This variant is considered likely benign or benign based on one or more of the following criteria: it is a conservative change, it occurs at a poorly conserved position in the protein, it is predicted to be benign by multiple in silico algorithms, and/or has population frequency not consistent with disease.

Breakthrough Genomics
Classification: Likely benign. Review status: criteria provided, single submitter. Criteria: ACMG Guidelines, 2015. Collection method: not provided. Allele origin: germline. Inheritance: Autosomal recessive inheritance. Affected: yes.

NM_003331.5(TYK2):c.2467-270G>A

Gene: TYK2 (tyrosine kinase 2; minus strand). Cytogenetic location: 19p13.2.
Variant type: single nucleotide variant.
Coding change: c.2467-270G>A on transcript NM_003331.5 (MANE Select); 270 bases into the intron before coding-DNA position 2467, G replaced by A.
Molecular consequence: intron variant.
Genome position (GRCh38, 1-based): chr19:10,356,988, C>T on the plus strand (G>A on the coding strand, the complement: TYK2 is on the minus strand). VCF-style: chr19-10356988-C-T. GRCh37 (hg19) VCF-style: chr19-10467664-C-T.
Identifiers: ClinVar variation 673687 (VCV000673687.2), dbSNP rs12720306, ClinGen allele CA305197060.